The following is an entry in ClinVar:

ClinVar aggregate classification (germline): Likely pathogenic (1 of 4 stars; one submission).

Submission:

GeneDx
Classification: Likely pathogenic. Last evaluated: 2025-05-24. Review status: criteria provided, single submitter. Criteria: GeneDx Variant Classification Process June 2021. Collection method: clinical testing. Allele origin: germline. Affected: yes.
Comment: Not observed at significant frequency in large population cohorts (gnomAD); In silico analysis supports that this missense variant has a deleterious effect on protein structure/function; Has not been previously published as pathogenic or benign to our knowledge

NM_182641.4(BPTF):c.8459A>G (p.His2820Arg)

Gene: BPTF (bromodomain PHD finger transcription factor; plus strand). Cytogenetic location: 17q24.2.
Variant type: single nucleotide variant.
Coding change: c.8459A>G on transcript NM_182641.4 (MANE Select); coding-DNA position 8459, A replaced by G.
Protein change: p.His2820Arg; replaces histidine 2820 with arginine.
Molecular consequence: missense variant.
Genome position (GRCh38, 1-based): chr17:67,966,576, A>G. VCF-style: chr17-67966576-A-G. GRCh37 (hg19) VCF-style: chr17-65962692-A-G.
Other names: c.8648A>G, p.His2883Arg (NM_001439139.1); c.8582A>G, p.His2861Arg (NM_001439140.1); c.8555A>G, p.His2852Arg (NM_001439141.1); c.8408A>G, p.His2803Arg (NM_001439142.1, NM_004459.7); c.8219A>G, p.His2740Arg (NM_001439143.1, NM_001439144.1); short protein forms H2740R, H2803R, H2820R, H2852R, H2861R, H2883R.
Identifiers: ClinVar variation 4532380 (VCV004532380.1).